The following is an entry in ClinVar:

NM_001365068.1(ASTN2):c.1029G>A (p.Ala343=)

Gene: ASTN2 (astrotactin 2; minus strand). Cytogenetic location: 9q33.1.
Variant type: single nucleotide variant.
Coding change: c.1029G>A on transcript NM_001365068.1 (MANE Select); coding-DNA position 1029, G replaced by A.
Protein change: p.Ala343=; no amino-acid change (alanine 343 retained).
Molecular consequence: synonymous variant. On other transcripts: intron variant (1).
Genome position (GRCh38, 1-based): chr9:117,141,465, C>T on the plus strand (G>A on the coding strand, the complement: ASTN2 is on the minus strand). VCF-style: chr9-117141465-C-T. GRCh37 (hg19) VCF-style: chr9-119903744-C-T.
Other names: c.1029G>A, p.Ala343= (NM_001365069.1); c.1016-45314G>A (NM_014010.5).
Identifiers: ClinVar variation 3047489 (VCV003047489.2), dbSNP rs572955651, ClinGen allele CA5211830.

ClinVar aggregate classification (germline): Likely benign (0 of 4 stars; one submission).

Conditions:
ASTN2-related disorder. Also called: ASTN2-related condition.

Allele frequency attached by ClinVar (database versions not stated): TOPMed 0.00013; 1000 Genomes Project 30x 0.00031; gnomAD 0.00011; 1000 Genomes Project 0.00040; gnomAD exomes 0.00006; ExAC 0.00020.
gnomAD v4.1: 102 of 1,367,108 alleles (0.0075%); highest among the groups gnomAD compares: East Asian, 0.28%; 1 homozygote.

Submission:

PreventionGenetics, part of Exact Sciences
Classification: Likely benign for ASTN2-related condition. Last evaluated: 2019-03-26. Review status: no assertion criteria provided. Collection method: clinical testing. Allele origin: germline.
Comment: This variant is classified as likely benign based on ACMG/AMP sequence variant interpretation guidelines (Richards et al. 2015 PMID: 25741868, with internal and published modifications).